The following is an entry in ClinVar:

NM_004104.5(FASN):c.1876_1877inv (p.Ser626Asp)

Gene: FASN (fatty acid synthase; minus strand). Cytogenetic location: 17q25.3.
Variant type: Inversion.
Coding change: c.1876_1877inv on transcript NM_004104.5 (MANE Select).
Protein change: p.Ser626Asp; replaces serine 626 with aspartic acid.
Molecular consequence: missense variant.
Genome position: GRCh38 VCF-style: chr17-82089720-GA-TC. GRCh37 (hg19) VCF-style: chr17-80047596-GA-TC.
Other names: short protein forms S626D.
Identifiers: ClinVar variation 1363604 (VCV001363604.5), ClinGen allele CA2573155006.
Genomic context (GRCh38, chr17:82,089,720, plus strand): 5'-TTGGAGTTGTGGCAGGCGGGCACCACGCCCGGGGGGCAGCGCTGTTTACACTCCTCCCAG[GA>TC]CAAGCCTATGGCAGAGCCAGCCTCAGAGGCTTAGCGTGGACACCGAGCCGCTCCCAGCCA-3'
Protein context (NP_004095.4, residues 616-636): PPGAMAAVGL[Ser626Asp]WEECKQRCPP

ClinVar aggregate classification (germline): Uncertain significance (1 of 4 stars; one submission).

Conditions:
Epileptic encephalopathy. Identifiers: MedGen C0543888, HP:0200134.

Submission:

Labcorp Genetics (formerly Invitae), Labcorp
Classification: Uncertain significance for Epileptic encephalopathy. Last evaluated: 2021-01-11. Review status: criteria provided, single submitter. Criteria: Invitae Variant Classification Sherloc (09022015). Collection method: clinical testing. Allele origin: germline.
Comment: This variant has not been reported in the literature in individuals with FASN-related conditions. In summary, the available evidence is currently insufficient to determine the role of this variant in disease. Therefore, it has been classified as a Variant of Uncertain Significance. Algorithms developed to predict the effect of missense changes on protein structure and function are either unavailable or do not agree on the potential impact of this missense change (SIFT: "Not Available"; PolyPhen-2: "Possibly Damaging"; Align-GVGD: "Not Available"). The frequency data for this variant in the population databases is not available, as this variant may be reported as separate entries in the ExAC database. This sequence change replaces serine with aspartic acid at codon 626 of the FASN protein (p.Ser626Asp). The serine residue is weakly conserved and there is a small physicochemical difference between serine and aspartic acid.